The following is an entry in ClinVar:

ClinVar aggregate classification (germline): Uncertain significance (1 of 4 stars; one submission).

Conditions:
Arrhythmogenic right ventricular dysplasia 5. Also called: Arrhythmogenic Right Ventricular Dysplasia/Cardiomyopathy 5; ARRHYTHMOGENIC RIGHT VENTRICULAR DYSPLASIA, FAMILIAL, 5. Identifiers: MedGen C1858379, MONDO:0011459, OMIM 604400.

Submission:

Labcorp Genetics (formerly Invitae), Labcorp
Classification: Uncertain significance for Arrhythmogenic right ventricular dysplasia 5. Last evaluated: 2022-04-09. Review status: criteria provided, single submitter. Criteria: Invitae Variant Classification Sherloc (09022015). Collection method: clinical testing. Allele origin: germline.
Comment: In summary, the available evidence is currently insufficient to determine the role of this variant in disease. Therefore, it has been classified as a Variant of Uncertain Significance. Algorithms developed to predict the effect of missense changes on protein structure and function (SIFT, PolyPhen-2, Align-GVGD) all suggest that this variant is likely to be tolerated. This variant has not been reported in the literature in individuals affected with TMEM43-related conditions. This variant is not present in population databases (gnomAD no frequency). This sequence change replaces arginine, which is basic and polar, with leucine, which is neutral and non-polar, at codon 221 of the TMEM43 protein (p.Arg221Leu).

NM_024334.3(TMEM43):c.662G>T (p.Arg221Leu)

Gene: TMEM43 (transmembrane protein 43; plus strand). Cytogenetic location: 3p25.1.
Variant type: single nucleotide variant.
Coding change: c.662G>T on transcript NM_024334.3 (MANE Select); coding-DNA position 662, G replaced by T.
Protein change: p.Arg221Leu; replaces arginine 221 with leucine.
Molecular consequence: missense variant.
Genome position (GRCh38, 1-based): chr3:14,134,848, G>T. VCF-style: chr3-14134848-G-T. GRCh37 (hg19) VCF-style: chr3-14176348-G-T.
Other names: c.665G>T, p.Arg222Leu (NM_001407274.1); c.662G>T, p.Arg221Leu (NM_001407275.1, NM_001407276.1, NM_001407277.1 and 1 more transcripts); c.647G>T, p.Arg216Leu (NM_001407278.1); c.512G>T, p.Arg171Leu (NM_001407280.1); short protein forms R221L, R216L, R171L, R222L.
Identifiers: ClinVar variation 1917934 (VCV001917934.5), dbSNP rs774735646, ClinGen allele CA351535587.